The following is an entry in ClinVar:

NM_000179.3(MSH6):c.3851_3871del (p.Thr1284_Ile1290del)

Gene: MSH6 (mutS homolog 6; plus strand). Cytogenetic location: 2p16.3.
Variant type: Deletion.
Coding change: c.3851_3871del on transcript NM_000179.3 (MANE Select); coding-DNA positions 3851 to 3871, 21 bases deleted (CGTTCCTCTATAAATTCATTA).
Protein change: p.Thr1284_Ile1290del.
Molecular consequence: inframe deletion.
Genome position (GRCh38, 1-based): chr2:47,806,501-47,806,521, CGTTCCTCTATAAATTCATTA deleted; deleting any 21 consecutive bases within chr2:47,806,497-47,806,521 gives the same sequence; the c. name uses the placement nearest the transcript's 3' end. VCF-style (leftmost placement, unchanged base first): chr2-47806496-TATTACGTTCCTCTATAAATTC-T. GRCh37 (hg19) VCF-style: chr2-48033635-TATTACGTTCCTCTATAAATTC-T.
Other names: c.3851_3871del (NM_000179.2); c.3461_3481del, p.Thr1154_Ile1160del (NM_001281492.2); c.2945_2965del, p.Thr982_Ile988del (NM_001281493.2, NM_001281494.2).
Identifiers: ClinVar variation 824301 (VCV000824301.12), dbSNP rs1572746651, ClinGen allele CA915943981.

ClinVar aggregate classification (germline): Conflicting classifications of pathogenicity. Review status: criteria provided, conflicting classifications (1 of 4 stars). 2 submissions from 2 submitters: Likely pathogenic (1); Uncertain significance (1). Last evaluated 2019-08-23.

Conditions:
Hereditary nonpolyposis colorectal neoplasms. Identifiers: MedGen C0009405, MeSH D003123.
Hereditary cancer-predisposing syndrome. Also called: Neoplastic Syndromes, Hereditary; Tumor predisposition; Hereditary neoplastic syndrome; Hereditary Cancer Syndrome. Identifiers: Orphanet 140162, MedGen C0027672, MeSH D009386, MONDO:0015356.

Submissions (2):

Ambry Genetics
Classification: Likely pathogenic for Hereditary cancer-predisposing syndrome. Last evaluated: 2019-08-23. Review status: criteria provided, single submitter. Criteria: Ambry Variant Classification Scheme 2023. Collection method: clinical testing. Allele origin: germline.
Comment: The c.3851_3871del21 variant (also known as p.T1284_I1290del) is located in coding exon 9 of the MSH6 gene. This variant results from an in-frame deletion of 21 nucleotides between positions 3851 and 3871. This results in the in-frame deletion of 7 amino acids between codons 1284 and 1290. Based on an internal structural assessment, this alteration disrupts the ATP binding site (Martinez-Lopez JI. J La State Med Soc. 1991 Nov;143:7, 9-10). This variant was not reported in population-based cohorts in the Genome Aggregation Database (gnomAD) (Lek M et al. Nature. 2016 08;536:285-91). This amino acid region is well conserved in available vertebrate species. In addition, this alteration is predicted to be deleterious by in silico analysis (Choi Y et al., PLoS ONE. 2012; 7(10):e46688). Based on the majority of available evidence to date, this variant is likely to be pathogenic.

Labcorp Genetics (formerly Invitae), Labcorp
Classification: Uncertain significance for Hereditary nonpolyposis colorectal neoplasms. Last evaluated: 2019-01-19. Review status: criteria provided, single submitter. Criteria: Invitae Variant Classification Sherloc (09022015). Collection method: clinical testing. Allele origin: germline.
Comment: In summary, the available evidence is currently insufficient to determine the role of this variant in disease. Therefore, it has been classified as a Variant of Uncertain Significance. Experimental studies and prediction algorithms are not available for this variant, and the functional significance of the affected amino acid(s) is currently unknown. This variant has not been reported in the literature in individuals with MSH6-related conditions. This variant is not present in population databases (ExAC no frequency). This variant, c.3851_3871del, results in the deletion of 7 amino acid(s) of the MSH6 protein (p.Thr1284_Ile1290del), but otherwise preserves the integrity of the reading frame.

Literature cited by the submitters: PubMed 1753181 (cited by Ambry Genetics).